The following is an entry in ClinVar:

NM_005654.6(NR2F1):c.755T>A (p.Leu252Gln)

Gene: NR2F1 (nuclear receptor subfamily 2 group F member 1; plus strand). Cytogenetic location: 5q15.
Variant type: single nucleotide variant.
Coding change: c.755T>A on transcript NM_005654.6 (MANE Select); coding-DNA position 755, T replaced by A.
Protein change: p.Leu252Gln; replaces leucine 252 with glutamine.
Molecular consequence: missense variant.
Genome position (GRCh38, 1-based): chr5:93,588,208, T>A. VCF-style: chr5-93588208-T-A. GRCh37 (hg19) VCF-style: chr5-92923914-T-A.
Other names: short protein forms L252Q.
Identifiers: ClinVar variation 1308582 (VCV001308582.2), dbSNP rs587777276, ClinGen allele CA360527013.

ClinVar aggregate classification (germline): Uncertain significance (1 of 4 stars; one submission).

Submission:

GeneDx
Classification: Uncertain significance. Last evaluated: 2019-04-22. Review status: criteria provided, single submitter. Criteria: GeneDx Variant Classification Process June 2021. Collection method: clinical testing. Allele origin: germline. Affected: yes.
Comment: Not observed in large population cohorts (Lek et al., 2016); In silico analysis, which includes protein predictors and evolutionary conservation, supports a deleterious effect; Has not been previously published as pathogenic or benign to our knowledge